The following is an entry in ClinVar:

ClinVar aggregate classification (germline): Uncertain significance (1 of 4 stars; one submission).

Conditions:
Immunodeficiency 28 (IMD28). Also called: IFNGR2 DEFICIENCY. Identifiers: Orphanet 319547, Orphanet 319574, MedGen C4013947, MONDO:0013953, OMIM 614889.

Submission:

Labcorp Genetics (formerly Invitae), Labcorp
Classification: Uncertain significance for Immunodeficiency 28. Last evaluated: 2021-11-30. Review status: criteria provided, single submitter. Criteria: Invitae Variant Classification Sherloc (09022015). Collection method: clinical testing. Allele origin: germline.
Comment: In summary, the available evidence is currently insufficient to determine the role of this variant in disease. Therefore, it has been classified as a Variant of Uncertain Significance. Algorithms developed to predict the effect of missense changes on protein structure and function are either unavailable or do not agree on the potential impact of this missense change (SIFT: "Deleterious"; PolyPhen-2: "Probably Damaging"; Align-GVGD: "Class C15"). This variant has not been reported in the literature in individuals affected with IFNGR2-related conditions. This variant is not present in population databases (gnomAD no frequency). This sequence change replaces leucine, which is neutral and non-polar, with valine, which is neutral and non-polar, at codon 155 of the IFNGR2 protein (p.Leu155Val).

NM_005534.4(IFNGR2):c.463C>G (p.Leu155Val)

Gene: IFNGR2 (interferon gamma receptor 2; plus strand). Cytogenetic location: 21q22.11.
Variant type: single nucleotide variant.
Coding change: c.463C>G on transcript NM_005534.4 (MANE Select); coding-DNA position 463, C replaced by G.
Protein change: p.Leu155Val; replaces leucine 155 with valine.
Molecular consequence: missense variant.
Genome position (GRCh38, 1-based): chr21:33,426,934, C>G. VCF-style: chr21-33426934-C-G. GRCh37 (hg19) VCF-style: chr21-34799241-C-G.
Other names: c.520C>G, p.Leu174Val (NM_001329128.2); short protein forms L155V, L174V.
Identifiers: ClinVar variation 1491889 (VCV001491889.6), dbSNP rs1211518898, ClinGen allele CA410117647.